The following is an entry in ClinVar:

ClinVar aggregate classification (germline): Uncertain significance (1 of 4 stars; one submission).

Conditions:
Peroxisome biogenesis disorder 11A (Zellweger). Also called: Peroxisome biogenesis disorder 11A. Identifiers: Orphanet 912, MedGen C3554000, MONDO:0013949, OMIM 614883.

Allele frequency attached by ClinVar (database versions not stated): TOPMed below 0.00001; gnomAD exomes 0.00001.
gnomAD v4.1: 20 of 1,609,318 alleles (0.0012%); highest among the groups gnomAD compares: Non-Finnish European, 0.0015%; no homozygotes.

Submission:

Labcorp Genetics (formerly Invitae), Labcorp
Classification: Uncertain significance for Peroxisome biogenesis disorder 11A (Zellweger). Last evaluated: 2021-06-07. Review status: criteria provided, single submitter. Criteria: Invitae Variant Classification Sherloc (09022015). Collection method: clinical testing. Allele origin: germline.
Comment: This sequence change falls in intron 3 of the PEX13 gene. It does not directly change the encoded amino acid sequence of the PEX13 protein. It affects a nucleotide within the consensus splice site of the intron. This variant is not present in population databases (ExAC no frequency). This variant has not been reported in the literature in individuals with PEX13-related conditions. Nucleotide substitutions within the consensus splice site are a relatively common cause of aberrant splicing (PMID: 17576681, 9536098). Algorithms developed to predict the effect of sequence changes on RNA splicing suggest that this variant may create or strengthen a splice site, but this prediction has not been confirmed by published transcriptional studies. In summary, the available evidence is currently insufficient to determine the role of this variant in disease. Therefore, it has been classified as a Variant of Uncertain Significance.

Literature cited by the submitters: PubMed 17576681; PubMed 9536098.

NM_002618.4(PEX13):c.913+5T>G

Gene: PEX13 (peroxisomal biogenesis factor 13; plus strand). Cytogenetic location: 2p15.
Variant type: single nucleotide variant.
Coding change: c.913+5T>G on transcript NM_002618.4 (MANE Select); 5 bases into the intron after coding-DNA position 913, T replaced by G.
Molecular consequence: intron variant.
Genome position (GRCh38, 1-based): chr2:61,045,856, T>G. VCF-style: chr2-61045856-T-G. GRCh37 (hg19) VCF-style: chr2-61272991-T-G.
Identifiers: ClinVar variation 1354998 (VCV001354998.3), dbSNP rs1380556679, ClinGen allele CA532822197.